The following is an entry in ClinVar:

ClinVar aggregate classification (germline): Pathogenic (1 of 4 stars; one submission).

Conditions:
Peroxisome biogenesis disorder 5A (Zellweger) (PBD5A). Identifiers: Orphanet 912, MedGen C3553940, MONDO:0013932, OMIM 614866.

Submission:

Labcorp Genetics (formerly Invitae), Labcorp
Classification: Pathogenic for Peroxisome biogenesis disorder 5A (Zellweger). Last evaluated: 2023-11-25. Review status: criteria provided, single submitter. Criteria: Invitae Variant Classification Sherloc (09022015). Collection method: clinical testing. Allele origin: germline.
Comment: This sequence change creates a premature translational stop signal (p.Gly133Serfs*24) in the PEX2 gene. While this is not anticipated to result in nonsense mediated decay, it is expected to disrupt the last 173 amino acid(s) of the PEX2 protein. This variant is not present in population databases (gnomAD no frequency). This variant has not been reported in the literature in individuals affected with PEX2-related conditions. ClinVar contains an entry for this variant (Variation ID: 1455464). This variant disrupts a region of the PEX2 protein in which other variant(s) (p.Lys215Serfs*2) have been determined to be pathogenic (PMID: 10652207; Invitae). This suggests that this is a clinically significant region of the protein, and that variants that disrupt it are likely to be disease-causing. For these reasons, this variant has been classified as Pathogenic.

Literature cited by the submitters: PubMed 10652207.

NM_000318.3(PEX2):c.387_396dup (p.Gly133fs)

Gene: PEX2 (peroxisomal biogenesis factor 2; minus strand). Cytogenetic location: 8q21.13.
Variant type: Duplication.
Coding change: c.387_396dup on transcript NM_000318.3 (MANE Select); coding-DNA positions 387 to 396, 10 bases duplicated (AGCATCATTT; older notation c.387_396dupAGCATCATTT).
Protein change: p.Gly133fs; shifts the reading frame from glycine 133.
Molecular consequence: frameshift variant.
Genome position (GRCh38, 1-based): chr8:76,983,783-76,983,792, AAATGATGCT duplicated on the plus strand (AGCATCATTT on the coding strand, the reverse complement: PEX2 is on the minus strand); duplicating any 10 consecutive bases within chr8:76,983,783-76,983,800 gives the same sequence; the c. name uses the placement nearest the transcript's 3' end. VCF-style (leftmost placement, unchanged base first): chr8-76983782-C-CAAATGATGCT. GRCh37 (hg19) VCF-style: chr8-77896018-C-CAAATGATGCT.
Other names: c.387_396dup, p.Gly133fs (NM_001079867.2, NM_001172086.2, NM_001172087.2); short protein forms G133fs.
Identifiers: ClinVar variation 1455464 (VCV001455464.8), dbSNP rs2132044079, ClinGen allele CA2573143381.